The following is an entry in ClinVar:

NM_007294.4(BRCA1):c.1786C>T (p.Leu596Phe)

Gene: BRCA1 (BRCA1 DNA repair associated; minus strand). Cytogenetic location: 17q21.31.
Variant type: single nucleotide variant.
Coding change: c.1786C>T on transcript NM_007294.4 (MANE Select); coding-DNA position 1786, C replaced by T.
Protein change: p.Leu596Phe; replaces leucine 596 with phenylalanine.
Molecular consequence: missense variant. On other transcripts: intron variant (137).
Genome position (GRCh38, 1-based): chr17:43,093,745, G>A on the plus strand (C>T on the coding strand, the complement: BRCA1 is on the minus strand). VCF-style: chr17-43093745-G-A. GRCh37 (hg19) VCF-style: chr17-41245762-G-A.
Other names: p.L596F:CTC>TTC; c.646+999C>T (NM_001408454.1, NM_001408456.1, NM_001408410.1 and 11 more transcripts); c.706+999C>T (NM_001408413.1, NM_001408416.1); c.586+999C>T (NM_001408476.1, NM_001408474.1); c.709+999C>T (NM_001408409.1, NM_001408414.1, NM_001408411.1 and 2 more transcripts); c.574+999C>T (NM_001408493.1, NM_001408490.1, NM_001408491.1); c.454+999C>T (NM_001408502.1); c.577+999C>T (NM_001408489.1, NM_001408479.1, NM_001408482.1 and 9 more transcripts); and 41 more; short protein forms L596F, L549F, L300F, L485F, L507F, L525F, L528F, L593F.
Identifiers: ClinVar variation 182136 (VCV000182136.31), dbSNP rs80357371, ClinGen allele CA001159.

ClinVar aggregate classification (germline): Conflicting classifications of pathogenicity. Review status: criteria provided, conflicting classifications (1 of 4 stars). 7 submissions from 7 submitters: Uncertain significance (5); Likely benign (2). Last evaluated 2025-11-08.

Conditions:
Hereditary breast ovarian cancer syndrome. Also called: Hereditary breast and ovarian cancer syndrome; Hereditary breast and ovarian cancer syndrome (HBOC); BRCA1- and BRCA2-Associated Hereditary Breast and Ovarian Cancer; Breast and ovarian cancer; Hereditary breast and ovarian cancer; Hereditary breast and/or ovarian cancer syndrome. Identifiers: Orphanet 145, MedGen C0677776, MeSH D061325, MONDO:0003582. Disease mechanism: loss of function.
Breast-ovarian cancer, familial, susceptibility to, 1 (BROVCA1). Also called: OVARIAN CANCER, SUSCEPTIBILITY TO; BRCA1 Hereditary Breast and Ovarian Cancer. Identifiers: Orphanet 145, MedGen C2676676, MONDO:0011450, OMIM 604370. Disease mechanism: loss of function.
Hereditary cancer-predisposing syndrome. Also called: Hereditary Cancer Syndrome; Hereditary neoplastic syndrome; Tumor predisposition; Neoplastic Syndromes, Hereditary. Identifiers: Orphanet 140162, MedGen C0027672, MeSH D009386, MONDO:0015356.

Allele frequency attached by ClinVar (database versions not stated): gnomAD 0.00001; 1000 Genomes Project 0.00040; 1000 Genomes Project 30x 0.00047.
gnomAD v4.1: 4 of 1,613,926 alleles (0.00025%); highest among the groups gnomAD compares: Admixed American, 0.0017%; no homozygotes.

Submissions (7):

Ambry Genetics
Classification: Uncertain significance for Hereditary cancer-predisposing syndrome. Last evaluated: 2025-11-08. Review status: criteria provided, single submitter. Criteria: Ambry Variant Classification Scheme 2023. Collection method: clinical testing. Allele origin: germline.
Comment: The p.L596F variant (also known as c.1786C>T), located in coding exon 9 of the BRCA1 gene, results from a C to T substitution at nucleotide position 1786. The leucine at codon 596 is replaced by phenylalanine, an amino acid with highly similar properties. This amino acid position is not well conserved in available vertebrate species. In addition, the in silico prediction for this alteration is inconclusive. Since supporting evidence is limited at this time, the clinical significance of this alteration remains unclear.

Labcorp Genetics (formerly Invitae), Labcorp
Classification: Uncertain significance for Hereditary breast ovarian cancer syndrome. Last evaluated: 2025-03-09. Review status: criteria provided, single submitter. Criteria: Invitae Variant Classification Sherloc (09022015). Collection method: clinical testing. Allele origin: germline.
Comment: This sequence change replaces leucine, which is neutral and non-polar, with phenylalanine, which is neutral and non-polar, at codon 596 of the BRCA1 protein (p.Leu596Phe). This variant is present in population databases (rs80357371, gnomAD 0.007%). This variant has not been reported in the literature in individuals affected with BRCA1-related conditions. ClinVar contains an entry for this variant (Variation ID: 182136). Invitae Evidence Modeling of protein sequence and biophysical properties (such as structural, functional, and spatial information, amino acid conservation, physicochemical variation, residue mobility, and thermodynamic stability) indicates that this missense variant is expected to disrupt BRCA1 protein function with a positive predictive value of 80%. In summary, the available evidence is currently insufficient to determine the role of this variant in disease. Therefore, it has been classified as a Variant of Uncertain Significance.

Myriad Genetics, Inc.
Classification: Likely benign for Breast-ovarian cancer, familial, susceptibility to, 1. Last evaluated: 2024-03-21. Review status: criteria provided, single submitter. Criteria: Myriad Autosomal Dominant, Autosomal Recessive and X-Linked Classification Criteria (2023). Collection method: clinical testing. Allele origin: unknown.
Comment: This variant is considered likely benign. This variant is strongly associated with less severe personal and family histories of cancer, typical for individuals without pathogenic variants in this gene [PMID: 25085752].

Blueprint Genetics
Classification: Uncertain significance. Last evaluated: 2024-02-02. Review status: criteria provided, single submitter. Criteria: ACMG Guidelines, 2015. Collection method: clinical testing. Allele origin: germline.

University of Washington Department of Laboratory Medicine, University of Washington
Classification: Likely benign for Hereditary cancer-predisposing syndrome. Last evaluated: 2023-03-23. Review status: criteria provided, single submitter. Criteria: Dines et al. (Genet Med. 2020). Collection method: curation. Allele origin: germline.
Comment: Missense variant in a coldspot region where missense variants are very unlikely to be pathogenic (PMID:31911673).

BRCA1 coldspot (exon 11 using historical exon numbering). Reclassification based on statistical prior probability

Color Diagnostics, LLC DBA Color Health
Classification: Uncertain significance for Hereditary cancer-predisposing syndrome. Last evaluated: 2019-05-16. Review status: criteria provided, single submitter. Criteria: ACMG Guidelines, 2015. Collection method: clinical testing. Allele origin: germline.

GeneDx
Classification: Uncertain significance. Last evaluated: 2019-04-24. Review status: criteria provided, single submitter. Criteria: GeneDx Variant Classification Process June 2021. Collection method: clinical testing. Allele origin: germline. Affected: yes.
Comment: Not observed in large population cohorts (Lek et al., 2016); Has not been previously published as pathogenic or benign to our knowledge

Literature cited by the submitters: PubMed 25085752 (cited by Myriad Genetics, Inc.).